The following is an entry in ClinVar:

NM_000271.5(NPC1):c.1607C>T (p.Thr536Met)

Gene: NPC1 (NPC intracellular cholesterol transporter 1; minus strand). Cytogenetic location: 18q11.2.
Variant type: single nucleotide variant.
Coding change: c.1607C>T on transcript NM_000271.5 (MANE Select); coding-DNA position 1607, C replaced by T.
Protein change: p.Thr536Met; replaces threonine 536 with methionine.
Molecular consequence: missense variant.
Genome position (GRCh38, 1-based): chr18:23,551,674, G>A on the plus strand (C>T on the coding strand, the complement: NPC1 is on the minus strand). VCF-style: chr18-23551674-G-A. GRCh37 (hg19) VCF-style: chr18-21131638-G-A.
Other names: c.1607C>T (NM_000271.4); short protein forms T536M.
Identifiers: ClinVar variation 2174095 (VCV002174095.2), dbSNP rs781523948, ClinGen allele CA8913418.
Genomic context (GRCh38, chr18:23,551,674, plus strand): 5'-TTCTCTTACTTACCATCATAGCCTCCCAACACAAGCCACGGGAACACTGGTCCACCAAAC[G>A]TACCCAGACAAGGGTCATGGAGCAAACTTGTATCATTCAGAGAGGCAGGAGCCCTGCCAA-3'
Protein context (NP_000262.2, residues 526-546): TSLLHDPCLG[Thr536Met]FGGPVFPWLV

ClinVar aggregate classification (germline): Uncertain significance. Review status: criteria provided, multiple submitters, no conflicts (2 of 4 stars). 2 submissions from 2 submitters: Uncertain significance (2). Last evaluated 2025-04-20.

Conditions:
Niemann-Pick disease, type C1. Also called: NEUROVISCERAL STORAGE DISEASE WITH VERTICAL SUPRANUCLEAR OPHTHALMOPLEGIA; NIEMANN-PICK DISEASE WITH CHOLESTEROL ESTERIFICATION BLOCK; NIEMANN-PICK DISEASE WITHOUT SPHINGOMYELINASE DEFICIENCY; NIEMANN-PICK DISEASE, CHRONIC NEURONOPATHIC FORM; NIEMANN-PICK DISEASE, VARIANT TYPE C1. Identifiers: Orphanet 646, MedGen C3179455, MONDO:0009757, OMIM 257220.
Inborn genetic diseases. Identifiers: MedGen C0950123, MeSH D030342.

Allele frequency attached by ClinVar (database versions not stated): gnomAD exomes 0.00001; TOPMed 0.00001; ExAC 0.00004; gnomAD 0.00006.
gnomAD v4.1: 37 of 1,614,012 alleles (0.0023%); highest among the groups gnomAD compares: Admixed American, 0.0033%; no homozygotes.

Submissions (2):

Ambry Genetics
Classification: Uncertain significance for Inborn genetic diseases. Last evaluated: 2025-04-20. Review status: criteria provided, single submitter. Criteria: Ambry Variant Classification Scheme 2023. Collection method: clinical testing. Allele origin: germline.

Labcorp Genetics (formerly Invitae), Labcorp
Classification: Uncertain significance for Niemann-Pick disease, type C1. Last evaluated: 2022-08-13. Review status: criteria provided, single submitter. Criteria: Invitae Variant Classification Sherloc (09022015). Collection method: clinical testing. Allele origin: germline.
Comment: This sequence change replaces threonine, which is neutral and polar, with methionine, which is neutral and non-polar, at codon 536 of the NPC1 protein (p.Thr536Met). This variant is present in population databases (rs781523948, gnomAD 0.009%). This variant has not been reported in the literature in individuals affected with NPC1-related conditions. Algorithms developed to predict the effect of missense changes on protein structure and function are either unavailable or do not agree on the potential impact of this missense change (SIFT: "Deleterious"; PolyPhen-2: "Probably Damaging"; Align-GVGD: "Class C15"). In summary, the available evidence is currently insufficient to determine the role of this variant in disease. Therefore, it has been classified as a Variant of Uncertain Significance.